The following is an entry in ClinVar:

NM_014804.3(KIAA0753):c.1981G>A (p.Glu661Lys)

Gene: KIAA0753 (KIAA0753; minus strand). Cytogenetic location: 17p13.1.
Variant type: single nucleotide variant.
Coding change: c.1981G>A on transcript NM_014804.3 (MANE Select); coding-DNA position 1981, G replaced by A.
Protein change: p.Glu661Lys; replaces glutamic acid 661 with lysine.
Molecular consequence: missense variant. On other transcripts: non-coding transcript variant (3).
Genome position (GRCh38, 1-based): chr17:6,606,901, C>T on the plus strand (G>A on the coding strand, the complement: KIAA0753 is on the minus strand). VCF-style: chr17-6606901-C-T. GRCh37 (hg19) VCF-style: chr17-6510221-C-T.
Other names: c.1084G>A, p.Glu362Lys (NM_001351225.2); c.1981G>A (NM_014804.2); short protein forms E362K, E661K.
Identifiers: ClinVar variation 2182081 (VCV002182081.3), dbSNP rs749347102, ClinGen allele CA8330331.
Genomic context (GRCh38, chr17:6,606,901, plus strand): 5'-TCCACTATTCTTCCTAAGAAGCAAACACATACCTCAATTGTTGGAGTCTATACATTTCTT[C>T]AGCTTTGAGCTCATTCAGTTCCTTTGTTCTTCTAGAAGTTTCAGCATCAAGCCAATCAAG-3'
Protein context (NP_055619.2, residues 651-671): RTKELNELKA[Glu661Lys]EMYRLQQLSV

ClinVar aggregate classification (germline): Uncertain significance. Review status: criteria provided, multiple submitters, no conflicts (2 of 4 stars). 2 submissions from 2 submitters: Uncertain significance (2). Last evaluated 2022-09-28.

Conditions:
Inborn genetic diseases. Identifiers: MedGen C0950123, MeSH D030342.

Allele frequency attached by ClinVar (database versions not stated): ExAC 0.00001; gnomAD exomes 0.00001; gnomAD 0.00007; TOPMed 0.00008.

Submissions (2):

Ambry Genetics
Classification: Uncertain significance for Inborn genetic diseases. Last evaluated: 2022-09-28. Review status: criteria provided, single submitter. Criteria: Ambry Variant Classification Scheme 2023. Collection method: clinical testing. Allele origin: germline.

Labcorp Genetics (formerly Invitae), Labcorp
Classification: Uncertain significance. Last evaluated: 2022-05-30. Review status: criteria provided, single submitter. Criteria: Invitae Variant Classification Sherloc (09022015). Collection method: clinical testing. Allele origin: germline.
Comment: In summary, the available evidence is currently insufficient to determine the role of this variant in disease. Therefore, it has been classified as a Variant of Uncertain Significance. Algorithms developed to predict the effect of missense changes on protein structure and function are either unavailable or do not agree on the potential impact of this missense change (SIFT: "Tolerated"; PolyPhen-2: "Possibly Damaging"; Align-GVGD: "Class C0"). This variant has not been reported in the literature in individuals affected with KIAA0753-related conditions. This variant is present in population databases (rs749347102, gnomAD 0.02%). This sequence change replaces glutamic acid, which is acidic and polar, with lysine, which is basic and polar, at codon 661 of the KIAA0753 protein (p.Glu661Lys).